The following is an entry in ClinVar:

NM_000035.4(ALDOB):c.865del (p.Leu289fs)

Gene: ALDOB (aldolase, fructose-bisphosphate B; minus strand). Cytogenetic location: 9q31.1.
Variant type: Deletion.
Coding change: c.865del on transcript NM_000035.4 (MANE Select); coding-DNA position 865, one base deleted (C; older notation c.865delC).
Protein change: p.Leu289fs; shifts the reading frame from leucine 289.
Molecular consequence: frameshift variant.
Genome position (GRCh38, 1-based): chr9:101,424,977, G deleted on the plus strand (C on the coding strand, the reverse complement: ALDOB is on the minus strand); the first of 2 consecutive G bases (chr9:101,424,977-101,424,978); deleting either gives the same sequence. VCF-style (leftmost placement, unchanged base first): chr9-101424976-AG-A. GRCh37 (hg19) VCF-style: chr9-104187258-AG-A.
Other names: c.865del, p.Leu289fs (LRG_1244t1); c.865del (NM_000035.3); short protein forms L289fs.
Identifiers: ClinVar variation 218381 (VCV000218381.22), dbSNP rs864309533, ClinGen allele CA347831.

ClinVar aggregate classification (germline): Pathogenic. Review status: criteria provided, multiple submitters, no conflicts (2 of 4 stars). 8 submissions from 8 submitters: Pathogenic (5). 3 of the submissions do not count toward it. Last evaluated 2025-08-27.

Conditions:
Hereditary fructosuria. Also called: Hereditary fructose intolerance; ALDOB DEFICIENCY; ALDOLASE B DEFICIENCY; FRUCTOSE-1,6-BISPHOSPHATE ALDOLASE B DEFICIENCY; FRUCTOSE-1-PHOSPHATE ALDOLASE DEFICIENCY; FRUCTOSEMIA. Identifiers: Orphanet 469, MedGen C0016751, MONDO:0009249, OMIM 229600, HP:0005973. Disease mechanism: loss of function.

Submissions (8):

Natera, Inc.
Classification: Pathogenic for Fructose intolerance. Last evaluated: 2025-08-27. Review status: criteria provided, single submitter. Criteria: Natera Variant Classification Schema (03/2026). Collection method: clinical testing. Allele origin: germline.
Comment: The c.865delC variant in ALDOB is a frameshift variant predicted to shift the reading frame beginning at codon 289 and leads to a stop codon 10 codons downstream. This variant is expected to result in nonsense mediated decay, truncation, or a dysfunctional protein product. This variant is rare in the general population with a frequency below the threshold expected for the associated phenotype(s). This variant has been observed in one or more individuals affected with the associated recessive disease, as either homozygous or compound heterozygous with a second variant (PMID: 29095814). Given the available evidence, this variant is classified as Pathogenic.

GeneDx
Classification: Pathogenic. Last evaluated: 2023-10-19. Review status: criteria provided, single submitter. Criteria: GeneDx Variant Classification Process June 2021. Collection method: clinical testing. Allele origin: germline. Affected: yes.
Comment: Frameshift variant predicted to result in protein truncation or nonsense mediated decay in a gene for which loss of function is a known mechanism of disease; Not observed at significant frequency in large population cohorts (gnomAD); Also known as L288deltaC; This variant is associated with the following publications: (PMID: 1967768, 31589614, 26677512, 15880727, 31591370, 36028839, 20848650)

Labcorp Genetics (formerly Invitae), Labcorp
Classification: Pathogenic for Hereditary fructosuria. Last evaluated: 2023-08-05. Review status: criteria provided, single submitter. Criteria: Invitae Variant Classification Sherloc (09022015). Collection method: clinical testing. Allele origin: germline.
Comment: This sequence change creates a premature translational stop signal (p.Leu289Phefs*10) in the ALDOB gene. It is expected to result in an absent or disrupted protein product. Loss-of-function variants in ALDOB are known to be pathogenic (PMID: 18541450). This variant is present in population databases (no rsID available, gnomAD 0.0009%). This premature translational stop signal has been observed in individuals with hereditary fructose intolerance (PMID: 1967768, 15880727). This variant is also known as L288delC. ClinVar contains an entry for this variant (Variation ID: 218381). For these reasons, this variant has been classified as Pathogenic.

Women's Health and Genetics/Laboratory Corporation of America, LabCorp
Classification: Pathogenic for Hereditary fructosuria. Last evaluated: 2020-07-08. Review status: criteria provided, single submitter. Criteria: LabCorp Variant Classification Summary - May 2015. Collection method: clinical testing. Allele origin: germline.
Comment: Variant summary: ALDOB c.865delC (p.Leu289PhefsX10) results in a premature termination codon, predicted to cause a truncation of the encoded protein or absence of the protein due to nonsense mediated decay, which are commonly known mechanisms for disease. The variant allele was found at a frequency of 4e-06 in 251092 control chromosomes (gnomAD). The variant, c.865delC (also known as L288delC), has been reported in the literature in homozygous or compound heterozygous state in multiple individuals affected with Hereditary Fructose Intolerance (Cross_1990, Santer_2005, Esposito_2010, DiDato_2019). These data indicate that the variant is very likely to be associated with disease. To our knowledge, no experimental evidence demonstrating an impact on protein function has been reported. Three submitters have provided clinical-significance assessments for this variant in ClinVar after 2014, and all of them classified the variant as pathogenic. Based on the evidence outlined above, the variant was classified as pathogenic.

Juno Genomics, Hangzhou Juno Genomics, Inc
Classification: Pathogenic for Hereditary fructosuria. Review status: criteria provided, single submitter. Criteria: ACMG Guidelines, 2015. Collection method: clinical testing. Allele origin: germline.
Comment: Absent from controls (or at extremely low frequency if recessive) in Genome Aggregation Database.;Null variant in a gene where loss of function (LOF) is a known mechanism of disease.;For recessive disorders, detected in trans with a pathogenic variant.

ATS em Genética Clínica, Universidade Federal do Rio Grande do Sul
Classification: Likely pathogenic for Hereditary fructosuria. Last evaluated: 2021-03-18. Review status: no assertion criteria provided. Collection method: literature only. Allele origin: unknown. Affected: yes. Not counted in ClinVar's aggregate classification.

Bioscientia Institut fuer Medizinische Diagnostik GmbH, Sonic Healthcare
Classification: Pathogenic for Hereditary fructosuria. Last evaluated: 2017-04-20. Review status: no assertion criteria provided. Collection method: clinical testing. Allele origin: germline. Affected: yes. Not counted in ClinVar's aggregate classification.

GeneReviews
No classification provided. Condition: Hereditary fructosuria. Review status: no classification provided. Collection method: literature only. Allele origin: germline. Affected: yes. Not counted in ClinVar's aggregate classification.

Literature cited by the submitters: PubMed 29095814 (cited by Natera, Inc.); PubMed 18541450 (cited by Labcorp Genetics (formerly Invitae), Labcorp); PubMed 1967768 (cited by 3 submitters); PubMed 15880727 (cited by 3 submitters); PubMed 20848650 (cited by Women's Health and Genetics/Laboratory Corporation of America, LabCorp); PubMed 31591370 (cited by Women's Health and Genetics/Laboratory Corporation of America, LabCorp); NCBI Bookshelf NBK333439 (cited by GeneReviews).